The following is an entry in ClinVar:

ClinVar aggregate classification (germline): Uncertain significance (1 of 4 stars; one submission).

Allele frequency attached by ClinVar (database versions not stated): gnomAD 0.00001; gnomAD exomes 0.00001; TOPMed 0.00001.
gnomAD v4.1: 8 of 1,539,054 alleles (0.00052%); highest among the groups gnomAD compares: Non-Finnish European, 0.0007%; no homozygotes.

Submission:

Ambry Genetics
Classification: Uncertain significance. Last evaluated: 2024-03-06. Review status: criteria provided, single submitter. Criteria: Ambry Variant Classification Scheme 2023. Collection method: clinical testing. Allele origin: germline.
Comment: The p.D1988E variant (also known as c.5964T>G), located in coding exon 18 of the POLQ gene, results from a T to G substitution at nucleotide position 5964. The aspartic acid at codon 1988 is replaced by glutamic acid, an amino acid with highly similar properties. This amino acid position is conserved. In addition, the in silico prediction for this alteration is inconclusive. Since supporting evidence is limited at this time, the clinical significance of this alteration remains unclear.

NM_199420.4(POLQ):c.5964T>G (p.Asp1988Glu)

Gene: POLQ (DNA polymerase theta; minus strand). Cytogenetic location: 3q13.33.
Variant type: single nucleotide variant.
Coding change: c.5964T>G on transcript NM_199420.4 (MANE Select); coding-DNA position 5964, T replaced by G.
Protein change: p.Asp1988Glu; replaces aspartic acid 1988 with glutamic acid.
Molecular consequence: missense variant.
Genome position (GRCh38, 1-based): chr3:121,483,392, A>C on the plus strand (T>G on the coding strand, the complement: POLQ is on the minus strand). VCF-style: chr3-121483392-A-C. GRCh37 (hg19) VCF-style: chr3-121202239-A-C.
Other names: short protein forms D1988E.
Identifiers: ClinVar variation 1750749 (VCV001750749.2), dbSNP rs1210226823, ClinGen allele CA354088403.
Genomic context (GRCh38, chr3:121,483,392, plus strand): 5'-ATTAACACTAAAAATGTTGTTTTAAGTATATAAAAATTAAATTAGACATAGAACCTTAGG[A>C]TCTTCATAACTTTGCTCCAAGGAGATGCCACAAGAAAGAAGAAGAATTTTATAGCTCTGG-3'
Protein context (NP_955452.3, residues 1978-1998): CGISLEQSYE[Asp1988Glu]PKVACWLLDP